The following is an entry in ClinVar:

ClinVar aggregate classification (germline): Uncertain significance (1 of 4 stars; one submission).

Conditions:
Hereditary pancreatitis (PCTT). Also called: Hereditary chronic pancreatitis; PRSS1-Related Hereditary Pancreatitis. Identifiers: Orphanet 676, MedGen C0238339, MONDO:0008185, OMIM 167800.

Submission:

Ambry Genetics
Classification: Uncertain significance for Hereditary pancreatitis. Last evaluated: 2023-01-16. Review status: criteria provided, single submitter. Criteria: Ambry Variant Classification Scheme 2023. Collection method: clinical testing. Allele origin: germline.
Comment: The p.C64R variant (also known as c.190T>C), located in coding exon 2 of the PRSS1 gene, results from a T to C substitution at nucleotide position 190. The cysteine at codon 64 is replaced by arginine, an amino acid with highly dissimilar properties. This amino acid position is conserved. In addition, this alteration is predicted to be deleterious by in silico analysis. Since supporting evidence is limited at this time, the clinical significance of this alteration remains unclear.

NM_002769.5(PRSS1):c.190T>C (p.Cys64Arg)

Genes: PRSS1 (serine protease 1; plus strand), TRB (T cell receptor beta locus; plus strand). Cytogenetic location: 7q34.
Variant type: single nucleotide variant.
Coding change: c.190T>C on transcript NM_002769.5 (MANE Select); coding-DNA position 190, T replaced by C.
Protein change: p.Cys64Arg; replaces cysteine 64 with arginine.
Molecular consequence: missense variant. On other transcripts: non-coding transcript variant (2).
Genome position (GRCh38, 1-based): chr7:142,750,704, T>C. VCF-style: chr7-142750704-T-C. GRCh37 (hg19) VCF-style: chr7-142458555-T-C.
Other names: short protein forms C64R.
Identifiers: ClinVar variation 2448228 (VCV002448228.2), dbSNP rs1798627075, ClinGen allele CA369607566.
Genomic context (GRCh38, chr7:142,750,704, plus strand): 5'-GGCTACCACTTCTGTGGTGGCTCCCTCATCAACGAACAGTGGGTGGTATCAGCAGGCCAC[T>C]GCTACAAGTCGTAAGTGTGGGGCCCCCGACTGCAAAGCTCCCGGCCAGTCTGCCTGGGAG-3'
Protein context (NP_002760.1, residues 54-74): NEQWVVSAGH[Cys64Arg]YKSRIQVRLG